The following is an entry in ClinVar:

ClinVar aggregate classification (germline): Benign/Likely benign. Review status: criteria provided, multiple submitters, no conflicts (2 of 4 stars). 2 submissions from 2 submitters: Benign (1); Likely benign (1). Last evaluated 2026-01-14.

Allele frequency attached by ClinVar (database versions not stated): 1000 Genomes Project 30x 0.00031; gnomAD 0.00258 and 0.00334; TOPMed 0.00302; gnomAD exomes 0.00367.
gnomAD v4.1: 4,342 of 1,227,948 alleles (0.35%); highest among the groups gnomAD compares: Non-Finnish European, 0.4%; 13 homozygotes.

Submissions (2):

Labcorp Genetics (formerly Invitae), Labcorp
Classification: Benign. Last evaluated: 2026-01-14. Review status: criteria provided, single submitter. Criteria: Invitae Variant Classification Sherloc (09022015). Collection method: clinical testing. Allele origin: germline.

CeGaT Center for Human Genetics Tuebingen
Classification: Likely benign. Last evaluated: 2022-03-01. Review status: criteria provided, single submitter. Criteria: CeGaT Center For Human Genetics Tuebingen Variant Classification Criteria Version 2. Collection method: clinical testing. Allele origin: germline. Affected: yes. Observed: 1 variant allele.
Comment: SIRT1: BP4, BP7

NM_012238.5(SIRT1):c.48G>A (p.Ser16=)

Genes: SIRT1 (sirtuin 1; plus strand), LOC107832851 (SIRT1 promoter region; plus strand). Cytogenetic location: 10q21.3.
Variant type: single nucleotide variant.
Coding change: c.48G>A on transcript NM_012238.5 (MANE Select); coding-DNA position 48, G replaced by A.
Protein change: p.Ser16=; no amino-acid change (serine 16 retained).
Molecular consequence: synonymous variant.
Genome position (GRCh38, 1-based): chr10:67,884,769, G>A. VCF-style: chr10-67884769-G-A. GRCh37 (hg19) VCF-style: chr10-69644527-G-A.
Identifiers: ClinVar variation 1622951 (VCV001622951.32), dbSNP rs202116523, ClinGen allele CA5520973.